The following is an entry in ClinVar:

NM_001367624.2(ZNF469):c.2416G>C (p.Glu806Gln)

Gene: ZNF469 (zinc finger protein 469; plus strand). Cytogenetic location: 16q24.2.
Variant type: single nucleotide variant.
Coding change: c.2416G>C on transcript NM_001367624.2 (MANE Select); coding-DNA position 2416, G replaced by C.
Protein change: p.Glu806Gln; replaces glutamic acid 806 with glutamine.
Molecular consequence: missense variant.
Genome position (GRCh38, 1-based): chr16:88,429,886, G>C. VCF-style: chr16-88429886-G-C. GRCh37 (hg19) VCF-style: chr16-88496294-G-C.
Other names: NM_001127464.1:c.2416G>C; short protein forms E806Q.
Identifiers: ClinVar variation 2626130 (VCV002626130.4), dbSNP rs1439032775, ClinGen allele CA397071938.

ClinVar aggregate classification (germline): Uncertain significance. Review status: criteria provided, multiple submitters, no conflicts (2 of 4 stars). 2 submissions from 2 submitters: Uncertain significance (2). Last evaluated 2024-06-25.

Conditions:
Cardiovascular phenotype. Identifiers: MedGen CN230736.

Allele frequency attached by ClinVar (database versions not stated): TOPMed below 0.00001.
gnomAD v4.1: 12 of 1,550,208 alleles (0.00077%); highest among the groups gnomAD compares: Non-Finnish European, 0.001%; no homozygotes.

Submissions (2):

Labcorp Genetics (formerly Invitae), Labcorp
Classification: Uncertain significance. Last evaluated: 2024-06-25. Review status: criteria provided, single submitter. Criteria: Invitae Variant Classification Sherloc (09022015). Collection method: clinical testing. Allele origin: germline.
Comment: This sequence change replaces glutamic acid, which is acidic and polar, with glutamine, which is neutral and polar, at codon 806 of the ZNF469 protein (p.Glu806Gln). This variant is present in population databases (no rsID available, gnomAD 0.002%). This variant has not been reported in the literature in individuals affected with ZNF469-related conditions. ClinVar contains an entry for this variant (Variation ID: 2626130). An algorithm developed to predict the effect of missense changes on protein structure and function (PolyPhen-2) suggests that this variant is likely to be tolerated. In summary, the available evidence is currently insufficient to determine the role of this variant in disease. Therefore, it has been classified as a Variant of Uncertain Significance.

Ambry Genetics
Classification: Uncertain significance for Cardiovascular phenotype. Last evaluated: 2023-08-07. Review status: criteria provided, single submitter. Criteria: Ambry Variant Classification Scheme 2023. Collection method: clinical testing. Allele origin: germline.
Comment: The p.E806Q variant (also known as c.2416G>C), located in coding exon 1 of the ZNF469 gene, results from a G to C substitution at nucleotide position 2416. The glutamic acid at codon 806 is replaced by glutamine, an amino acid with highly similar properties. This amino acid position is conserved. In addition, this alteration is predicted to be tolerated by in silico analysis. Since supporting evidence is limited at this time, the clinical significance of this alteration remains unclear.